The following is an entry in ClinVar:

ClinVar aggregate classification (germline): Uncertain significance. Review status: criteria provided, multiple submitters, no conflicts (2 of 4 stars). 2 submissions from 2 submitters: Uncertain significance (2). Last evaluated 2023-10-25.

Conditions:
Inborn genetic diseases. Identifiers: MedGen C0950123, MeSH D030342.

Allele frequency attached by ClinVar (database versions not stated): gnomAD exomes 0.00001.
gnomAD v4.1: 9 of 1,613,942 alleles (0.00056%); highest among the groups gnomAD compares: Non-Finnish European, 0.00076%; no homozygotes.

Submissions (2):

GeneDx
Classification: Uncertain significance. Last evaluated: 2023-10-25. Review status: criteria provided, single submitter. Criteria: GeneDx Variant Classification Process June 2021. Collection method: clinical testing. Allele origin: germline. Affected: yes.
Comment: Not observed at significant frequency in large population cohorts (gnomAD); In silico analysis supports that this missense variant does not alter protein structure/function; Has not been previously published as pathogenic or benign to our knowledge

Ambry Genetics
Classification: Uncertain significance for Inborn genetic diseases. Last evaluated: 2019-07-26. Review status: criteria provided, single submitter. Criteria: Ambry Variant Classification Scheme 2023. Collection method: clinical testing. Allele origin: germline.
Comment: The p.H779R variant (also known as c.2336A>G), located in coding exon 4 of the MBD5 gene, results from an A to G substitution at nucleotide position 2336. The histidine at codon 779 is replaced by arginine, an amino acid with highly similar properties. This amino acid position is well conserved in available vertebrate species; however, arginine is the reference amino acid in other vertebrate species. In addition, the in silico prediction for this alteration is inconclusive. Since supporting evidence is limited at this time, the clinical significance of this alteration remains unclear.

NM_001378120.1(MBD5):c.2336A>G (p.His779Arg)

Gene: MBD5 (methyl-CpG binding domain protein 5; plus strand). Cytogenetic location: 2q23.1.
Variant type: single nucleotide variant.
Coding change: c.2336A>G on transcript NM_001378120.1 (MANE Select); coding-DNA position 2336, A replaced by G.
Protein change: p.His779Arg; replaces histidine 779 with arginine.
Molecular consequence: missense variant.
Genome position (GRCh38, 1-based): chr2:148,470,279, A>G. VCF-style: chr2-148470279-A-G. GRCh37 (hg19) VCF-style: chr2-149227848-A-G.
Other names: c.2336A>G, p.His779Arg (NM_018328.5); short protein forms H779R.
Identifiers: ClinVar variation 1789774 (VCV001789774.3), dbSNP rs1680751866, ClinGen allele CA348721638.
Genomic context (GRCh38, chr2:148,470,279, plus strand): 5'-TGCACTGCCACAATGCAAACACTAACTTTGTTCACAGTAACAGTCCAGTCCCCAACCACC[A>G]TCTTGCAGGTTTAATAAATCAGATTCAGGCTAGCGGGAACTGTGGGATGCTCAGTCAGTC-3'
Protein context (NP_001365049.1, residues 769-789): VHSNSPVPNH[His779Arg]LAGLINQIQA